The following is an entry in ClinVar:

ClinVar aggregate classification (germline): Uncertain significance (1 of 4 stars; one submission).

Submission:

Labcorp Genetics (formerly Invitae), Labcorp
Classification: Uncertain significance. Last evaluated: 2024-02-04. Review status: criteria provided, single submitter. Criteria: Invitae Variant Classification Sherloc (09022015). Collection method: clinical testing. Allele origin: germline.
Comment: This sequence change replaces aspartic acid, which is acidic and polar, with asparagine, which is neutral and polar, at codon 161 of the ASRGL1 protein (p.Asp161Asn). This variant is not present in population databases (gnomAD no frequency). This variant has not been reported in the literature in individuals affected with ASRGL1-related conditions. An algorithm developed to predict the effect of missense changes on protein structure and function (PolyPhen-2) suggests that this variant is likely to be tolerated. In summary, the available evidence is currently insufficient to determine the role of this variant in disease. Therefore, it has been classified as a Variant of Uncertain Significance.

NM_001083926.2(ASRGL1):c.481G>A (p.Asp161Asn)

Gene: ASRGL1 (asparaginase and isoaspartyl peptidase 1; plus strand). Cytogenetic location: 11q12.3.
Variant type: single nucleotide variant.
Coding change: c.481G>A on transcript NM_001083926.2 (MANE Select); coding-DNA position 481, G replaced by A.
Protein change: p.Asp161Asn; replaces aspartic acid 161 with asparagine.
Molecular consequence: missense variant.
Genome position (GRCh38, 1-based): chr11:62,357,134, G>A. VCF-style: chr11-62357134-G-A. GRCh37 (hg19) VCF-style: chr11-62124606-G-A.
Other names: c.481G>A, p.Asp161Asn (NM_025080.4); short protein forms D161N.
Identifiers: ClinVar variation 3638865 (VCV003638865.2).